The following is an entry in ClinVar:

ClinVar aggregate classification (germline): Uncertain significance (1 of 4 stars; one submission).

gnomAD v4.1: 1 of 1,567,518 alleles (0.000064%); highest among the groups gnomAD compares: Non-Finnish European, 0.000086%; no homozygotes.

Submission:

GeneDx
Classification: Uncertain significance. Last evaluated: 2023-04-18. Review status: criteria provided, single submitter. Criteria: GeneDx Variant Classification Process June 2021. Collection method: clinical testing. Allele origin: germline. Affected: yes.
Comment: Not observed at significant frequency in large population cohorts (gnomAD); Nonsense variant predicted to result in protein truncation as the last 10 amino acids are lost, although loss-of-function variants have not been reported downstream of this position in the protein; Has not been previously published as pathogenic or benign to our knowledge

NM_005585.5(SMAD6):c.1461G>A (p.Trp487Ter)

Gene: SMAD6 (SMAD family member 6; plus strand). Cytogenetic location: 15q22.31.
Variant type: single nucleotide variant.
Coding change: c.1461G>A on transcript NM_005585.5 (MANE Select); coding-DNA position 1461, G replaced by A.
Protein change: p.Trp487Ter; replaces tryptophan 487 with a stop codon.
Molecular consequence: nonsense. On other transcripts: non-coding transcript variant (1).
Genome position (GRCh38, 1-based): chr15:66,781,505, G>A. VCF-style: chr15-66781505-G-A. GRCh37 (hg19) VCF-style: chr15-67073843-G-A.
Other names: short protein forms W487*.
Identifiers: ClinVar variation 3252262 (VCV003252262.1), dbSNP rs11554691.